The following is an entry in ClinVar:

NM_003743.5(NCOA1):c.252A>G (p.Glu84=)

Gene: NCOA1 (nuclear receptor coactivator 1; plus strand). Cytogenetic location: 2p23.3.
Variant type: single nucleotide variant.
Coding change: c.252A>G on transcript NM_003743.5 (MANE Select); coding-DNA position 252, A replaced by G.
Protein change: p.Glu84=; no amino-acid change (glutamic acid 84 retained).
Molecular consequence: synonymous variant.
Genome position (GRCh38, 1-based): chr2:24,665,911, A>G. VCF-style: chr2-24665911-A-G. GRCh37 (hg19) VCF-style: chr2-24888780-A-G.
Other names: c.252A>G, p.Glu84= (NM_001362950.1, NM_001362952.1, NM_001362954.1 and 3 more transcripts).
Identifiers: ClinVar variation 4982637 (VCV004982637.1).

ClinVar aggregate classification (germline): Likely benign (1 of 4 stars; one submission).

Conditions:
NCOA1-related disorder. Also called: NCOA1-related condition.

Submission:

PreventionGenetics, part of Exact Sciences
Classification: Likely benign for NCOA1-related condition. Last evaluated: 2025-12-12. Review status: criteria provided, single submitter. Criteria: ACMG Guidelines, 2015. Collection method: clinical testing. Allele origin: germline.
Comment: This variant is classified as likely benign based on ACMG/AMP sequence variant interpretation guidelines (Richards et al. 2015 PMID: 25741868, with internal and published modifications).